The following is an entry in ClinVar:

NM_001003722.2(GLE1):c.575del (p.Glu192fs)

Gene: GLE1 (GLE1 RNA export mediator; plus strand). Cytogenetic location: 9q34.11.
Variant type: Deletion.
Coding change: c.575del on transcript NM_001003722.2 (MANE Select); coding-DNA position 575, one base deleted (A; older notation c.575delA).
Protein change: p.Glu192fs; shifts the reading frame from glutamic acid 192.
Molecular consequence: frameshift variant.
Genome position (GRCh38, 1-based): chr9:128,522,810, A deleted. VCF-style (leftmost placement, unchanged base first): chr9-128522809-GA-G. GRCh37 (hg19) VCF-style: chr9-131285088-GA-G.
Other names: c.575del, p.Glu192fs (NM_001411013.1, NM_001499.2); short protein forms E192fs.
Identifiers: ClinVar variation 2786289 (VCV002786289.3), dbSNP rs2540593632, ClinGen allele CA2739265090.

ClinVar aggregate classification (germline): Pathogenic (1 of 4 stars; one submission).

Submission:

Labcorp Genetics (formerly Invitae), Labcorp
Classification: Pathogenic. Last evaluated: 2022-12-23. Review status: criteria provided, single submitter. Criteria: Invitae Variant Classification Sherloc (09022015). Collection method: clinical testing. Allele origin: germline.
Comment: For these reasons, this variant has been classified as Pathogenic. This variant has not been reported in the literature in individuals affected with GLE1-related conditions. This variant is not present in population databases (gnomAD no frequency). This sequence change creates a premature translational stop signal (p.Glu192Glyfs*14) in the GLE1 gene. It is expected to result in an absent or disrupted protein product. Loss-of-function variants in GLE1 are known to be pathogenic (PMID: 18204449, 24243016, 27684565).

Literature cited by the submitters: PubMed 18204449; PubMed 24243016; PubMed 27684565.